The following is an entry in ClinVar:

NM_054012.4(ASS1):c.317C>G (p.Ala106Gly)

Gene: ASS1 (argininosuccinate synthase 1; plus strand). Cytogenetic location: 9q34.11.
Variant type: single nucleotide variant.
Coding change: c.317C>G on transcript NM_054012.4 (MANE Select); coding-DNA position 317, C replaced by G.
Protein change: p.Ala106Gly; replaces alanine 106 with glycine.
Molecular consequence: missense variant.
Genome position (GRCh38, 1-based): chr9:130,458,543, C>G. VCF-style: chr9-130458543-C-G. GRCh37 (hg19) VCF-style: chr9-133333930-C-G.
Other names: c.317C>G, p.Ala106Gly (NM_000050.4); short protein forms A106G.
Identifiers: ClinVar variation 2052830 (VCV002052830.5), dbSNP rs763817750, ClinGen allele CA5283222.
Genomic context (GRCh38, chr9:130,458,543, plus strand): 5'-GCTACCTCCTGGGCACCTCTCTTGCCAGGCCCTGCATCGCCCGCAAACAAGTGGAAATCG[C>G]CCAGCGGGAGGGGGCCAAGTATGTGTCCCACGGCGCCACAGGAAAGGTGAGGCACCTGGG-3'
Protein context (NP_446464.1, residues 96-116): PCIARKQVEI[Ala106Gly]QREGAKYVSH

ClinVar aggregate classification (germline): Uncertain significance. Review status: criteria provided, multiple submitters, no conflicts (2 of 4 stars). 2 submissions from 2 submitters: Uncertain significance (2). Last evaluated 2024-12-25.

Conditions:
Citrullinemia. Identifiers: Orphanet 187, MedGen C0175683, MONDO:0015991.
Inborn genetic diseases. Identifiers: MedGen C0950123, MeSH D030342.

Allele frequency attached by ClinVar (database versions not stated): TOPMed below 0.00001; ExAC 0.00001; gnomAD 0.00001.
gnomAD v4.1: 3 of 1,613,252 alleles (0.00019%); highest among the groups gnomAD compares: Non-Finnish European, 0.00017%; no homozygotes.

Submissions (2):

Ambry Genetics
Classification: Uncertain significance for Inborn genetic diseases. Last evaluated: 2024-12-25. Review status: criteria provided, single submitter. Criteria: Ambry Variant Classification Scheme 2023. Collection method: clinical testing. Allele origin: germline.

Labcorp Genetics (formerly Invitae), Labcorp
Classification: Uncertain significance for Citrullinemia. Last evaluated: 2023-12-11. Review status: criteria provided, single submitter. Criteria: Invitae Variant Classification Sherloc (09022015). Collection method: clinical testing. Allele origin: germline.
Comment: This sequence change replaces alanine, which is neutral and non-polar, with glycine, which is neutral and non-polar, at codon 106 of the ASS1 protein (p.Ala106Gly). This variant is present in population databases (rs763817750, gnomAD 0.0009%). This missense change has been observed in individual(s) with clinical features of ASS1-related conditions (Invitae). In at least one individual the data is consistent with being in trans (on the opposite chromosome) from a pathogenic variant. ClinVar contains an entry for this variant (Variation ID: 2052830). Advanced modeling of protein sequence and biophysical properties (such as structural, functional, and spatial information, amino acid conservation, physicochemical variation, residue mobility, and thermodynamic stability) has been performed at Invitae for this missense variant, however the output from this modeling did not meet the statistical confidence thresholds required to predict the impact of this variant on ASS1 protein function. In summary, the available evidence is currently insufficient to determine the role of this variant in disease. Therefore, it has been classified as a Variant of Uncertain Significance.